The following is an entry in ClinVar:

ClinVar aggregate classification (germline): Uncertain significance (1 of 4 stars; one submission).

Conditions:
RASopathy. Also called: Noonan spectrum disorder; rasopathies. Identifiers: Orphanet 536391, MedGen C5555857, MONDO:0021060.

Submission:

Labcorp Genetics (formerly Invitae), Labcorp
Classification: Uncertain significance for RASopathy. Last evaluated: 2023-07-29. Review status: criteria provided, single submitter. Criteria: Invitae Variant Classification Sherloc (09022015). Collection method: clinical testing. Allele origin: unknown.
Comment: In summary, the available evidence is currently insufficient to determine the role of this variant in disease. Therefore, it has been classified as a Variant of Uncertain Significance. This variant has not been reported in the literature in individuals affected with CBL-related conditions. A gross deletion of the genomic region encompassing the full coding sequence of the CBL gene has been identified. The current clinical and genetic evidence is not sufficient to establish whether loss-of-function variants in CBL cause disease. The boundaries of this event are unknown as they extend beyond the assayed region for this gene and therefore may encompass additional genes.

NC_000011.9:g.(?_119077128)_(119170491_?)del

Gene: CBL (Cbl proto-oncogene; plus strand). Cytogenetic location: 11q23.3.
Variant type: Deletion.
Identifiers: ClinVar variation 3244701 (VCV003244701.1).